The following is an entry in ClinVar:

ClinVar aggregate classification (germline): Benign/Likely benign. Review status: criteria provided, multiple submitters, no conflicts (2 of 4 stars). 13 submissions from 13 submitters: Benign (10); Likely benign (1). 2 of the submissions do not count toward it. Last evaluated 2026-02-02.

Conditions:
Focal segmental glomerulosclerosis 5 (FSGS5). Identifiers: Orphanet 656, MedGen C2750475, MONDO:0013191, OMIM 613237.
Charcot-Marie-Tooth disease dominant intermediate E. Also called: CHARCOT-MARIE-TOOTH NEUROPATHY WITH FOCAL SEGMENTAL GLOMERULONEPHRITIS. Identifiers: Orphanet 93114, MedGen C4302667, MONDO:0013758, OMIM 614455.
Focal segmental glomerulosclerosis (FSGS). Also called: Glomerulosclerosis, focal; Focal sclerosis with hyalinosis. Identifiers: MedGen C0017668, MONDO:0100313, HP:0000097. Disease mechanism: loss of function.

Allele frequency attached by ClinVar (database versions not stated): ESP Exome Variant Server 0.00898; TOPMed 0.00973; gnomAD 0.01192 and 0.01325; gnomAD exomes 0.01583 and 0.01855; 1000 Genomes Project 30x 0.01827; 1000 Genomes Project 0.01997; ExAC 0.03997.
gnomAD v4.1: 24,811 of 1,594,304 alleles (1.6%); highest among the groups gnomAD compares: South Asian, 3.8%; 316 homozygotes.

Submissions (13):

Labcorp Genetics (formerly Invitae), Labcorp
Classification: Benign for Charcot-Marie-Tooth disease dominant intermediate E; Focal segmental glomerulosclerosis 5. Last evaluated: 2026-02-02. Review status: criteria provided, single submitter. Criteria: Invitae Variant Classification Sherloc (09022015). Collection method: clinical testing. Allele origin: germline.

ARUP Laboratories, Molecular Genetics and Genomics, ARUP Laboratories
Classification: Benign. Last evaluated: 2025-04-28. Review status: criteria provided, single submitter. Criteria: ARUP Molecular Germline Variant Investigation Process 2024. Collection method: clinical testing. Allele origin: germline.

Blueprint Genetics
Classification: Likely benign. Last evaluated: 2024-11-27. Review status: criteria provided, single submitter. Criteria: ACMG Guidelines, 2015. Collection method: clinical testing. Allele origin: germline.

Mayo Clinic Laboratories, Mayo Clinic
Classification: Benign. Last evaluated: 2023-10-24. Review status: criteria provided, single submitter. Criteria: ACMG Guidelines, 2015. Collection method: clinical testing. Allele origin: germline. Observed: 79 variant alleles.
Comment: BS1, BS2, BP4, BP7

Fulgent Genetics
Classification: Benign for Focal segmental glomerulosclerosis 5; Charcot-Marie-Tooth disease dominant intermediate E. Last evaluated: 2021-10-27. Review status: criteria provided, single submitter. Criteria: ACMG Guidelines, 2015. Collection method: clinical testing. Allele origin: unknown.

Genome Diagnostics Laboratory, The Hospital for Sick Children
Classification: Benign for Focal segmental glomerulosclerosis. Last evaluated: 2021-05-04. Review status: criteria provided, single submitter. Criteria: ACMG Guidelines, 2015. Collection method: clinical testing. Allele origin: germline.

Illumina Laboratory Services, Illumina
Classification: Benign for Focal segmental glomerulosclerosis 5. Last evaluated: 2018-01-13. Review status: criteria provided, single submitter. Criteria: ICSL Variant Classification Criteria 13 December 2019. Collection method: clinical testing. Allele origin: germline.
Comment: This variant was observed in the ICSL laboratory as part of a predisposition screen in an ostensibly healthy population. It had not been previously curated by ICSL or reported in the Human Gene Mutation Database (HGMD: prior to June 1st, 2018), and was therefore a candidate for classification through an automated scoring system. Utilizing variant allele frequency, disease prevalence and penetrance estimates, and inheritance mode, an automated score was calculated to assess if this variant is too frequent to cause the disease. Based on the score and internal cut-off values, a variant classified as benign is not then subjected to further curation. The score for this variant resulted in a classification of benign for this disease.

Athena Diagnostics
Classification: Benign. Last evaluated: 2017-09-27. Review status: criteria provided, single submitter. Criteria: Athena Diagnostics Criteria. Collection method: clinical testing. Allele origin: germline.

GeneDx
Classification: Benign. Last evaluated: 2016-01-22. Review status: criteria provided, single submitter. Criteria: GeneDx Variant Classification (06012015). Collection method: clinical testing. Allele origin: germline. Affected: yes.
Comment: This variant is considered likely benign or benign based on one or more of the following criteria: it is a conservative change, it occurs at a poorly conserved position in the protein, it is predicted to be benign by multiple in silico algorithms, and/or has population frequency not consistent with disease.

Breakthrough Genomics
Classification: Benign. Review status: criteria provided, single submitter. Criteria: ACMG Guidelines, 2015. Collection method: not provided. Allele origin: germline. Inheritance: Autosomal dominant inheritance. Affected: yes.

PreventionGenetics, part of Exact Sciences
Classification: Benign. Review status: criteria provided, single submitter. Criteria: ACMG Guidelines, 2015. Collection method: clinical testing. Allele origin: germline.

Clinical Genetics, Academic Medical Center
Classification: Benign. Review status: no assertion criteria provided. Collection method: clinical testing. Allele origin: germline. Affected: yes. Study: VKGL Data-share Consensus. Not counted in ClinVar's aggregate classification.

Genome Diagnostics Laboratory, University Medical Center Utrecht
Classification: Benign. Review status: no assertion criteria provided. Collection method: clinical testing. Allele origin: germline. Affected: yes. Study: VKGL Data-share Consensus. Not counted in ClinVar's aggregate classification.

NM_022489.4(INF2):c.42G>A (p.Leu14=)

Gene: INF2 (inverted formin 2; plus strand). Cytogenetic location: 14q32.33.
Variant type: single nucleotide variant.
Coding change: c.42G>A on transcript NM_022489.4 (MANE Select); coding-DNA position 42, G replaced by A.
Protein change: p.Leu14=; no amino-acid change (leucine 14 retained).
Molecular consequence: synonymous variant.
Genome position (GRCh38, 1-based): chr14:104,701,407, G>A. VCF-style: chr14-104701407-G-A. GRCh37 (hg19) VCF-style: chr14-105167744-G-A.
Other names: p.Leu14=; c.42G>A, p.Leu14= (NM_001031714.4, NM_032714.3).
Identifiers: ClinVar variation 261625 (VCV000261625.36), dbSNP rs62638758, ClinGen allele CA7372221.
Genomic context (GRCh38, chr14:104,701,407, plus strand): 5'-CTGCCTGCAGCTCGGCAAGATGTCGGTGAAGGAGGGCGCACAGCGCAAGTGGGCAGCGCT[G>A]AAGGAGAAGCTGGGGCCACAGGATTCGGACCCCACGGAGGCCAACCTGGAGAGCGCGGAC-3'
Protein context (NP_071934.3, residues 4-24): KEGAQRKWAA[Leu14=]KEKLGPQDSD